The following is an entry in ClinVar:

NM_000246.4(CIITA):c.200-1G>C

Gene: CIITA (class II major histocompatibility complex transactivator; plus strand). Cytogenetic location: 16p13.13.
Variant type: single nucleotide variant.
Coding change: c.200-1G>C on transcript NM_000246.4 (MANE Select); the canonical splice acceptor site of the intron before coding-DNA position 200, G replaced by C.
Molecular consequence: splice acceptor variant.
Genome position (GRCh38, 1-based): chr16:10,895,668, G>C. VCF-style: chr16-10895668-G-C. GRCh37 (hg19) VCF-style: chr16-10989525-G-C.
Other names: c.200-1G>C (NM_001286402.1, NM_001379332.1, NM_001379330.1 and 3 more transcripts); c.128-1G>C (NM_001379334.1).
Identifiers: ClinVar variation 2920573 (VCV002920573.3), dbSNP rs1450843506, ClinGen allele CA394726376.
Genomic context (GRCh38, chr16:10,895,668, plus strand): 5'-GTTCCCCACCAGCCCTCTTTCCAGAAATTTCCTTCTTCATCCAAGGGACTTTTCCTCCCA[G>C]AACCCGACACAGACACCATCAACTGCGACCAGTTCAGCAGGCTGTTGTGTGACATGGAAG-3'

ClinVar aggregate classification (germline): Likely pathogenic (1 of 4 stars; one submission).

Conditions:
MHC class II deficiency. Also called: Bare lymphocyte syndrome 2; BLS, TYPE II. Identifiers: Orphanet 572, MedGen C5447452, MONDO:0008855.

Allele frequency attached by ClinVar (database versions not stated): TOPMed 0.00001.

Submission:

Labcorp Genetics (formerly Invitae), Labcorp
Classification: Likely pathogenic for MHC class II deficiency. Last evaluated: 2025-04-17. Review status: criteria provided, single submitter. Criteria: Invitae Variant Classification Sherloc (09022015). Collection method: clinical testing. Allele origin: germline.
Comment: This sequence change affects an acceptor splice site in intron 2 of the CIITA gene. It is expected to disrupt RNA splicing. Variants that disrupt the donor or acceptor splice site typically lead to a loss of protein function (PMID: 16199547), and loss-of-function variants in CIITA are known to be pathogenic (PMID: 8402893, 9099848, 26271388). This variant is not present in population databases (gnomAD no frequency). This variant has not been reported in the literature in individuals affected with CIITA-related conditions. ClinVar contains an entry for this variant (Variation ID: 2920573). Algorithms developed to predict the effect of sequence changes on RNA splicing suggest that this variant may disrupt the consensus splice site. In summary, the currently available evidence indicates that the variant is pathogenic, but additional data are needed to prove that conclusively. Therefore, this variant has been classified as Likely Pathogenic.

Literature cited by the submitters: PubMed 16199547; PubMed 8402893; PubMed 9099848; PubMed 26271388.